The following is an entry in ClinVar:

ClinVar aggregate classification (germline): Uncertain significance (1 of 4 stars; one submission).

Submission:

Labcorp Genetics (formerly Invitae), Labcorp
Classification: Uncertain significance. Last evaluated: 2022-09-14. Review status: criteria provided, single submitter. Criteria: Invitae Variant Classification Sherloc (09022015). Collection method: clinical testing. Allele origin: germline.
Comment: In summary, the available evidence is currently insufficient to determine the role of this variant in disease. Therefore, it has been classified as a Variant of Uncertain Significance. This sequence change replaces lysine, which is basic and polar, with methionine, which is neutral and non-polar, at codon 309 of the NBAS protein (p.Lys309Met). This variant is not present in population databases (gnomAD no frequency). This variant has not been reported in the literature in individuals affected with NBAS-related conditions. Advanced modeling of protein sequence and biophysical properties (such as structural, functional, and spatial information, amino acid conservation, physicochemical variation, residue mobility, and thermodynamic stability) performed at Invitae indicates that this missense variant is not expected to disrupt NBAS protein function.

NM_015909.4(NBAS):c.926A>T (p.Lys309Met)

Gene: NBAS (NBAS subunit of NRZ tethering complex; minus strand). Cytogenetic location: 2p24.3.
Variant type: single nucleotide variant.
Coding change: c.926A>T on transcript NM_015909.4 (MANE Select); coding-DNA position 926, A replaced by T.
Protein change: p.Lys309Met; replaces lysine 309 with methionine.
Molecular consequence: missense variant. On other transcripts: non-coding transcript variant (1).
Genome position (GRCh38, 1-based): chr2:15,504,173, T>A on the plus strand (A>T on the coding strand, the complement: NBAS is on the minus strand). VCF-style: chr2-15504173-T-A. GRCh37 (hg19) VCF-style: chr2-15644297-T-A.
Other names: short protein forms K309M.
Identifiers: ClinVar variation 1719379 (VCV001719379.5), dbSNP rs2528271066, ClinGen allele CA345896772.